The following is an entry in ClinVar:

NM_002485.5(NBN):c.1321A>G (p.Lys441Glu)

Gene: NBN (nibrin; minus strand). Cytogenetic location: 8q21.3.
Variant type: single nucleotide variant.
Coding change: c.1321A>G on transcript NM_002485.5 (MANE Select); coding-DNA position 1321, A replaced by G.
Protein change: p.Lys441Glu; replaces lysine 441 with glutamic acid.
Molecular consequence: missense variant.
Genome position (GRCh38, 1-based): chr8:89,955,359, T>C on the plus strand (A>G on the coding strand, the complement: NBN is on the minus strand). VCF-style: chr8-89955359-T-C. GRCh37 (hg19) VCF-style: chr8-90967587-T-C.
Other names: c.1321A>G (NM_002485.4); c.1075A>G, p.Lys359Glu (NM_001024688.3); short protein forms K359E, K441E.
Identifiers: ClinVar variation 1059604 (VCV001059604.15), dbSNP rs751876787, ClinGen allele CA371656122.

ClinVar aggregate classification (germline): Uncertain significance. Review status: criteria provided, multiple submitters, no conflicts (2 of 4 stars). 4 submissions from 4 submitters: Uncertain significance (3). 1 of the submissions does not count toward it. Last evaluated 2025-07-07.

Conditions:
Hereditary cancer-predisposing syndrome. Also called: Hereditary neoplastic syndrome; Neoplastic Syndromes, Hereditary; Tumor predisposition; Hereditary Cancer Syndrome. Identifiers: Orphanet 140162, MedGen C0027672, MeSH D009386, MONDO:0015356.
Microcephaly, normal intelligence and immunodeficiency (NBS). Also called: Ataxia telangiectasia variant V1; Immunodeficiency, microcephaly with normal intelligence; IMMUNODEFICIENCY, MICROCEPHALY, AND CHROMOSOMAL INSTABILITY; SEEMANOVA SYNDROME II; Nijmegen breakage syndrome; Microcephaly with normal intelligence immunodeficiency and lymphoreticular malignancies. Identifiers: Orphanet 647, MedGen C0398791, MONDO:0009623, OMIM 251260.

Allele frequency attached by ClinVar (database versions not stated): gnomAD 0.00001.
gnomAD v4.1: 3 of 1,613,762 alleles (0.00019%); highest among the groups gnomAD compares: African/African-American, 0.0027%; no homozygotes.

Submissions (4):

Dasa
Classification: Uncertain significance. Last evaluated: 2025-07-07. Review status: criteria provided, single submitter. Criteria: DASA Assertion Criteria. Collection method: clinical testing. Allele origin: germline.
Comment: NM_002485.5(NBN):c.1321A>G (p.Lys441Glu) is a missense variant that results in the substitution of lysine with glutamic acid. Functional evidence supports a deleterious effect on the gene or gene product. Multiple computational predictions support a deleterious effect on the gene or gene product. The variant is present at low frequency in population datasets. Based on the available data, this variant is classified as variant of uncertain significance.

Labcorp Genetics (formerly Invitae), Labcorp
Classification: Uncertain significance for Microcephaly, normal intelligence and immunodeficiency. Last evaluated: 2025-01-19. Review status: criteria provided, single submitter. Criteria: Invitae Variant Classification Sherloc (09022015). Collection method: clinical testing. Allele origin: germline.
Comment: This sequence change replaces lysine, which is basic and polar, with glutamic acid, which is acidic and polar, at codon 441 of the NBN protein (p.Lys441Glu). This variant is not present in population databases (gnomAD no frequency). This variant has not been reported in the literature in individuals affected with NBN-related conditions. ClinVar contains an entry for this variant (Variation ID: 1059604). An algorithm developed to predict the effect of missense changes on protein structure and function (PolyPhen-2) suggests that this variant is likely to be tolerated. In summary, the available evidence is currently insufficient to determine the role of this variant in disease. Therefore, it has been classified as a Variant of Uncertain Significance.

Ambry Genetics
Classification: Uncertain significance for Hereditary cancer-predisposing syndrome. Last evaluated: 2022-06-21. Review status: criteria provided, single submitter. Criteria: Ambry Variant Classification Scheme 2023. Collection method: clinical testing. Allele origin: germline.
Comment: The p.K441E variant (also known as c.1321A>G), located in coding exon 10 of the NBN gene, results from an A to G substitution at nucleotide position 1321. The lysine at codon 441 is replaced by glutamic acid, an amino acid with similar properties. This amino acid position is well conserved in available vertebrate species. In addition, this alteration is predicted to be tolerated by in silico analysis. Since supporting evidence is limited at this time, the clinical significance of this alteration remains unclear.

Natera, Inc.
Classification: Uncertain significance for Nijmegen breakage syndrome. Last evaluated: 2021-09-08. Review status: no assertion criteria provided. Collection method: clinical testing. Allele origin: germline. Not counted in ClinVar's aggregate classification.